The following is an entry in ClinVar:

ClinVar aggregate classification (germline): Benign/Likely benign. Review status: criteria provided, multiple submitters, no conflicts (2 of 4 stars). 3 submissions from 3 submitters: Benign (2); Likely benign (1). Last evaluated 2026-08-01.

Conditions:
MAF-related disorder. Also called: MAF-related condition.
Cataract 21 multiple types. Also called: CATARACT 21, MULTIPLE TYPES, WITH OR WITHOUT MICROCORNEA; CATARACT 21, CERULEAN, WITH OR WITHOUT MICROCORNEA; CATARACT 21, MULTIPLE TYPES, WITH MICROCORNEA; Cataract, congenital, cerulean type, 4. Identifiers: Orphanet 91492, MedGen C1857768, MONDO:0012437, OMIM 610202.
Ayme-Gripp syndrome. Also called: Aymé-Gripp Syndrome. Identifiers: MedGen C1832812, MONDO:0010992, OMIM 601088.

Allele frequency attached by ClinVar (database versions not stated): gnomAD 0.00005 and 0.00006; 1000 Genomes Project 30x 0.00016; 1000 Genomes Project 0.00020; TOPMed 0.00026; ExAC 0.00053.
gnomAD v4.1: 195 of 1,613,758 alleles (0.012%); highest among the groups gnomAD compares: Admixed American, 0.32%; 2 homozygotes.

Submissions (3):

CeGaT Center for Human Genetics Tuebingen
Classification: Likely benign. Last evaluated: 2026-08-01. Review status: criteria provided, single submitter. Criteria: CeGaT Center For Human Genetics Tuebingen Variant Classification Criteria Version 2. Collection method: clinical testing. Allele origin: germline. Affected: yes. Observed: 3 variant alleles.
Comment: MAF: BS1

PreventionGenetics, part of Exact Sciences
Classification: Benign for MAF-related condition. Last evaluated: 2024-10-18. Review status: criteria provided, single submitter. Criteria: ACMG Guidelines, 2015. Collection method: clinical testing. Allele origin: germline.
Comment: This variant is classified as benign based on ACMG/AMP sequence variant interpretation guidelines (Richards et al. 2015 PMID: 25741868, with internal and published modifications).

Labcorp Genetics (formerly Invitae), Labcorp
Classification: Benign for Cataract 21 multiple types; Ayme-Gripp syndrome. Last evaluated: 2024-05-29. Review status: criteria provided, single submitter. Criteria: Invitae Variant Classification Sherloc (09022015). Collection method: clinical testing. Allele origin: germline.

NM_005360.5(MAF):c.1028C>T (p.Ala343Val)

Gene: MAF (MAF bZIP transcription factor; minus strand). Cytogenetic location: 16q23.2.
Variant type: single nucleotide variant.
Coding change: c.1028C>T on transcript NM_005360.5 (MANE Select); coding-DNA position 1028, C replaced by T.
Protein change: p.Ala343Val; replaces alanine 343 with valine.
Molecular consequence: missense variant.
Genome position (GRCh38, 1-based): chr16:79,598,875, G>A on the plus strand (C>T on the coding strand, the complement: MAF is on the minus strand). VCF-style: chr16-79598875-G-A. GRCh37 (hg19) VCF-style: chr16-79632772-G-A.
Other names: c.1028C>T, p.Ala343Val (NM_001031804.3); short protein forms A343V.
Identifiers: ClinVar variation 771101 (VCV000771101.13), dbSNP rs201126542, ClinGen allele CA8183993.